The following is an entry in ClinVar:

ClinVar aggregate classification (germline): Uncertain significance (1 of 4 stars; one submission).

Conditions:
Epidermolysis bullosa simplex 5C, with pyloric atresia (EBS5C). Also called: Epidermolysis bullosa simplex with pyloric atresia; PLEC-Related Epidermolysis Bullosa with Pyloric Atresia; PLEC1-Related Epidermolysis Bullosa with Pyloric Atresia. Identifiers: Orphanet 158684, MedGen C2677349, MONDO:0012807, OMIM 612138.
Epidermolysis bullosa simplex with nail dystrophy (EBS5D). Identifiers: MedGen C4225309, MONDO:0014661, OMIM 616487.
Epidermolysis bullosa simplex 5B, with muscular dystrophy (EBS5B). Also called: Epidermolysis bullosa simplex with muscular dystrophy; EPIDERMOLYSIS BULLOSA SIMPLEX AND LIMB-GIRDLE MUSCULAR DYSTROPHY. Identifiers: Orphanet 257, MedGen C2931072, MONDO:0009181, OMIM 226670.
Autosomal recessive limb-girdle muscular dystrophy type 2Q (LGMDR17). Also called: MUSCULAR DYSTROPHY, LIMB-GIRDLE, AUTOSOMAL RECESSIVE 17. Identifiers: Orphanet 254361, MedGen C3150989, MONDO:0013390, OMIM 613723.
Epidermolysis bullosa simplex, Ogna type (EBS5A). Also called: Pidermolysis bullosa simplex 5A, Ogna type; EPIDERMOLYSIS BULLOSA SIMPLEX 5A, OGNA TYPE. Identifiers: Orphanet 79401, MedGen C0432317, MONDO:0007555, OMIM 131950.

Allele frequency attached by ClinVar (database versions not stated): gnomAD 0.00001; gnomAD exomes 0.00001; TOPMed 0.00002.
gnomAD v4.1: 17 of 1,547,296 alleles (0.0011%); highest among the groups gnomAD compares: African/African-American, 0.0041%; no homozygotes.

Submission:

Labcorp Genetics (formerly Invitae), Labcorp
Classification: Uncertain significance for Autosomal recessive limb-girdle muscular dystrophy type 2Q; Epidermolysis bullosa simplex, Ogna type; Epidermolysis bullosa simplex with nail dystrophy; Epidermolysis bullosa simplex 5C, with pyloric atresia; Epidermolysis bullosa simplex 5B, with muscular dystrophy. Last evaluated: 2024-05-20. Review status: criteria provided, single submitter. Criteria: Invitae Variant Classification Sherloc (09022015). Collection method: clinical testing. Allele origin: germline.
Comment: This sequence change replaces arginine, which is basic and polar, with glutamine, which is neutral and polar, at codon 1382 of the PLEC protein (p.Arg1382Gln). The frequency data for this variant in the population databases is considered unreliable, as metrics indicate poor data quality at this position in the gnomAD database. This variant has not been reported in the literature in individuals affected with PLEC-related conditions. ClinVar contains an entry for this variant (Variation ID: 1401656). Experimental studies and prediction algorithms are not available or were not evaluated, and the functional significance of this variant is currently unknown. In summary, the available evidence is currently insufficient to determine the role of this variant in disease. Therefore, it has been classified as a Variant of Uncertain Significance.

NM_201384.3(PLEC):c.4064G>A (p.Arg1355Gln)

Gene: PLEC (plectin; minus strand). Cytogenetic location: 8q24.3.
Variant type: single nucleotide variant.
Coding change: c.4064G>A on transcript NM_201384.3 (MANE Select); coding-DNA position 4064, G replaced by A.
Protein change: p.Arg1355Gln; replaces arginine 1355 with glutamine.
Molecular consequence: missense variant.
Genome position (GRCh38, 1-based): chr8:143,925,865, C>T on the plus strand (G>A on the coding strand, the complement: PLEC is on the minus strand). VCF-style: chr8-143925865-C-T. GRCh37 (hg19) VCF-style: chr8-145000033-C-T.
Other names: c.4145G>A, p.Arg1382Gln (NM_000445.5); c.4022G>A, p.Arg1341Gln (NM_201378.4); c.3998G>A, p.Arg1333Gln (NM_201379.3); c.4475G>A, p.Arg1492Gln (NM_201380.4); c.3968G>A, p.Arg1323Gln (NM_201381.3); c.4064G>A, p.Arg1355Gln (NM_201382.4); c.4076G>A, p.Arg1359Gln (NM_201383.3); short protein forms R1355Q, R1359Q, R1492Q, R1333Q, R1341Q, R1323Q, R1382Q.
Identifiers: ClinVar variation 1401656 (VCV001401656.6), dbSNP rs782227274, ClinGen allele CA4926778.
Genomic context (GRCh38, chr8:143,925,865, plus strand): 5'-AGCTGCCGCTGCTTCTCCAGCGCGGCCTCCACCTCGGCCAGCCGCTCGCGCTCCTCTGCC[C>T]GCTGCTGCTCAGCCAGCCTCTGTGGCCACAGCAGAGAGAAGAAGAGAAGCAGAGAGAGTG-3'
Protein context (NP_958786.1, residues 1345-1365): EEEERLAEQQ[Arg1355Gln]AEERERLAEV